The following is an entry in ClinVar:

ClinVar aggregate classification (germline): Uncertain significance. Review status: criteria provided, multiple submitters, no conflicts (2 of 4 stars). 3 submissions from 3 submitters: Uncertain significance (3). Last evaluated 2024-11-22.

Conditions:
Inborn genetic diseases. Identifiers: MedGen C0950123, MeSH D030342.
X-linked sideroblastic anemia 1. Also called: ANEMIA, SIDEROBLASTIC, 1, PYRIDOXINE REFRACTORY; Erythroid 5-aminolevulinate synthase deficiency; X chromosome-linked sideroblastic anemia; X-linked pyridoxine-refractory sideroblastic anemia; Anemia, sideroblastic, 1; Anemia, hereditary sideroblastic 1, pyridoxine refractory. Identifiers: Orphanet 75563, MedGen C4551511, MONDO:0020721, OMIM 300751. Disease mechanism: loss of function.

Allele frequency attached by ClinVar (database versions not stated): gnomAD exomes below 0.00001; TOPMed below 0.00001; gnomAD 0.00001.
gnomAD v4.1: 2 of 1,189,223 alleles (0.00017%); highest among the groups gnomAD compares: Non-Finnish European, 0.00023%; no homozygotes.

Submissions (3):

3billion
Classification: Uncertain significance for X-linked sideroblastic anemia 1. Last evaluated: 2024-11-22. Review status: criteria provided, single submitter. Criteria: ACMG Guidelines, 2015. Collection method: clinical testing. Allele origin: germline. Affected: yes.
Comment: The variant is observed at an extremely low frequency in the gnomAD v4.1.0 dataset (total allele frequency: <0.001%). Predicted Consequence/Location: Missense variant In silico tool predictions suggest damaging effect of the variant on gene or gene product [REVEL: 0.86 (>=0.6, sensitivity 0.68 and specificity 0.92)]. A different missense change at the same codon (p.Cys471Tyr) has been reported to be associated with ALAS2 related disorder (PMID: 24829177). However the evidence of pathogenicity is insufficient at this time. Therefore, this variant is classified as VUS according to the recommendation of ACMG/AMP guideline.

Ambry Genetics
Classification: Uncertain significance for Inborn genetic diseases. Last evaluated: 2024-09-04. Review status: criteria provided, single submitter. Criteria: Ambry Variant Classification Scheme 2023. Collection method: clinical testing. Allele origin: germline.

GeneDx
Classification: Uncertain significance. Last evaluated: 2021-04-22. Review status: criteria provided, single submitter. Criteria: GeneDx Variant Classification Process June 2021. Collection method: clinical testing. Allele origin: germline. Affected: yes.
Comment: Not observed in large population cohorts (Lek et al., 2016); In silico analysis supports that this missense variant has a deleterious effect on protein structure/function; Has not been previously published as pathogenic or benign to our knowledge

Literature cited by the submitters: PubMed 24829177 (cited by 3billion).

NM_000032.5(ALAS2):c.1411T>C (p.Cys471Arg)

Gene: ALAS2 (5'-aminolevulinate synthase 2; minus strand). Cytogenetic location: Xp11.21.
Variant type: single nucleotide variant.
Coding change: c.1411T>C on transcript NM_000032.5 (MANE Select); coding-DNA position 1411, T replaced by C.
Protein change: p.Cys471Arg; replaces cysteine 471 with arginine.
Molecular consequence: missense variant.
Genome position (GRCh38, 1-based): chrX:55,014,773, A>G on the plus strand (T>C on the coding strand, the complement: ALAS2 is on the minus strand). VCF-style: chrX-55014773-A-G. GRCh37 (hg19) VCF-style: chrX-55041206-A-G.
Other names: c.1300T>C, p.Cys434Arg (NM_001037967.4); c.1372T>C, p.Cys458Arg (NM_001037968.4); short protein forms C434R, C458R, C471R.
Identifiers: ClinVar variation 1314821 (VCV001314821.4), dbSNP rs1390451223, ClinGen allele CA413292489.